The following is an entry in ClinVar:

ClinVar aggregate classification (germline): Uncertain significance. Review status: criteria provided, multiple submitters, no conflicts (2 of 4 stars). 2 submissions from 2 submitters: Uncertain significance (2). Last evaluated 2023-12-27.

Conditions:
Fanconi anemia (FA). Also called: Fanconi's anemia. Identifiers: Orphanet 84, MedGen C0015625, MeSH D005199, MONDO:0019391.

Allele frequency attached by ClinVar (database versions not stated): TOPMed below 0.00001; gnomAD 0.00001.
gnomAD v4.1: 1 of 1,613,972 alleles (0.000062%); highest among the groups gnomAD compares: Non-Finnish European, 0.000085%; no homozygotes.

Submissions (2):

GeneDx
Classification: Uncertain significance. Last evaluated: 2023-12-27. Review status: criteria provided, single submitter. Criteria: GeneDx Variant Classification Process June 2021. Collection method: clinical testing. Allele origin: germline. Affected: yes.
Comment: Not observed at significant frequency in large population cohorts (gnomAD); In silico analysis supports that this missense variant does not alter protein structure/function; Has not been previously published as pathogenic or benign to our knowledge

Labcorp Genetics (formerly Invitae), Labcorp
Classification: Uncertain significance for Fanconi anemia. Last evaluated: 2021-08-27. Review status: criteria provided, single submitter. Criteria: Invitae Variant Classification Sherloc (09022015). Collection method: clinical testing. Allele origin: germline.
Comment: In summary, the available evidence is currently insufficient to determine the role of this variant in disease. Therefore, it has been classified as a Variant of Uncertain Significance. Algorithms developed to predict the effect of missense changes on protein structure and function (SIFT, PolyPhen-2, Align-GVGD) all suggest that this variant is likely to be tolerated. This variant has not been reported in the literature in individuals affected with FANCM-related conditions. This variant is not present in population databases (ExAC no frequency). This sequence change replaces leucine with valine at codon 1184 of the FANCM protein (p.Leu1184Val). The leucine residue is weakly conserved and there is a small physicochemical difference between leucine and valine.

NM_020937.4(FANCM):c.3550T>G (p.Leu1184Val)

Gene: FANCM (FA complementation group M; plus strand). Cytogenetic location: 14q21.2.
Variant type: single nucleotide variant.
Coding change: c.3550T>G on transcript NM_020937.4 (MANE Select); coding-DNA position 3550, T replaced by G.
Protein change: p.Leu1184Val; replaces leucine 1184 with valine.
Molecular consequence: missense variant.
Genome position (GRCh38, 1-based): chr14:45,176,304, T>G. VCF-style: chr14-45176304-T-G. GRCh37 (hg19) VCF-style: chr14-45645507-T-G.
Other names: c.3472T>G, p.Leu1158Val (NM_001308133.2); c.3550T>G (NM_020937.2); short protein forms L1184V, L1158V.
Identifiers: ClinVar variation 1504576 (VCV001504576.7), dbSNP rs1331676656, ClinGen allele CA389602018.